The following is an entry in ClinVar:

NM_002485.5(NBN):c.178_180del (p.Thr60del)

Gene: NBN (nibrin; minus strand). Cytogenetic location: 8q21.3.
Variant type: Deletion.
Coding change: c.178_180del on transcript NM_002485.5 (MANE Select); coding-DNA positions 178 to 180, 3 bases deleted (ACA; older notation c.178_180delACA).
Protein change: p.Thr60del; deletes threonine 60.
Molecular consequence: inframe deletion. On other transcripts: 5 prime UTR variant (1).
Genome position (GRCh38, 1-based): chr8:89,981,515-89,981,517, TGT deleted on the plus strand (ACA on the coding strand, the reverse complement: NBN is on the minus strand); deleting any 3 consecutive bases within chr8:89,981,515-89,981,518 gives the same sequence; the c. name uses the placement nearest the transcript's 3' end. VCF-style (leftmost placement, unchanged base first): chr8-89981514-CTGT-C. GRCh37 (hg19) VCF-style: chr8-90993742-CTGT-C.
Other names: c.-69_-67del (NM_001024688.3); short protein forms T60del.
Identifiers: ClinVar variation 2799134 (VCV002799134.3), dbSNP rs1554568419, ClinGen allele CA2739268843.

ClinVar aggregate classification (germline): Uncertain significance (1 of 4 stars; one submission).

Conditions:
Microcephaly, normal intelligence and immunodeficiency (NBS). Also called: Nijmegen breakage syndrome; Microcephaly with normal intelligence immunodeficiency and lymphoreticular malignancies; Nonsyndromal microcephaly autosomal recessive with normal intelligence; Seemanova syndrome 2; SEEMANOVA SYNDROME II; Ataxia telangiectasia variant V1. Identifiers: Orphanet 647, MedGen C0398791, MONDO:0009623, OMIM 251260.

Submission:

Labcorp Genetics (formerly Invitae), Labcorp
Classification: Uncertain significance for Microcephaly, normal intelligence and immunodeficiency. Last evaluated: 2022-11-14. Review status: criteria provided, single submitter. Criteria: Invitae Variant Classification Sherloc (09022015). Collection method: clinical testing. Allele origin: germline.
Comment: This variant is not present in population databases (gnomAD no frequency). This variant, c.178_180del, results in the deletion of 1 amino acid(s) of the NBN protein (p.Thr60del), but otherwise preserves the integrity of the reading frame. This variant has not been reported in the literature in individuals affected with NBN-related conditions. Experimental studies and prediction algorithms are not available or were not evaluated, and the functional significance of this variant is currently unknown. In summary, the available evidence is currently insufficient to determine the role of this variant in disease. Therefore, it has been classified as a Variant of Uncertain Significance.